The following is an entry in ClinVar:

NM_004341.5(CAD):c.5533C>T (p.Pro1845Ser)

Gene: CAD (carbamoyl-phosphate synthetase 2, aspartate transcarbamylase, and dihydroorotase; plus strand). Cytogenetic location: 2p23.3.
Variant type: single nucleotide variant.
Coding change: c.5533C>T on transcript NM_004341.5 (MANE Select); coding-DNA position 5533, C replaced by T.
Protein change: p.Pro1845Ser; replaces proline 1845 with serine.
Molecular consequence: missense variant.
Genome position (GRCh38, 1-based): chr2:27,240,301, C>T. VCF-style: chr2-27240301-C-T. GRCh37 (hg19) VCF-style: chr2-27463169-C-T.
Other names: c.5344C>T, p.Pro1782Ser (NM_001306079.2); short protein forms P1782S, P1845S.
Identifiers: ClinVar variation 1386607 (VCV001386607.6), dbSNP rs2148094078, ClinGen allele CA346223049.
Genomic context (GRCh38, chr2:27,240,301, plus strand): 5'-TCTGGGCCAACGTTATCCCTCCAGACACCTGAAAGACCCCGCCGTGGCATCCCAGGGCTT[C>T]CTGATGGCCGCTTCCATCTGCCGCCCCGAATCCATCGAGCCTCCGACCCAGGTTTGCCAG-3'
Protein context (NP_004332.2, residues 1835-1855): ERPRRGIPGL[Pro1845Ser]DGRFHLPPRI

ClinVar aggregate classification (germline): Uncertain significance (1 of 4 stars; one submission).

Submission:

Labcorp Genetics (formerly Invitae), Labcorp
Classification: Uncertain significance. Last evaluated: 2022-07-26. Review status: criteria provided, single submitter. Criteria: Invitae Variant Classification Sherloc (09022015). Collection method: clinical testing. Allele origin: germline.
Comment: This sequence change replaces proline, which is neutral and non-polar, with serine, which is neutral and polar, at codon 1845 of the CAD protein (p.Pro1845Ser). This variant is not present in population databases (gnomAD no frequency). This variant has not been reported in the literature in individuals affected with CAD-related conditions. ClinVar contains an entry for this variant (Variation ID: 1386607). Algorithms developed to predict the effect of missense changes on protein structure and function (SIFT, PolyPhen-2, Align-GVGD) all suggest that this variant is likely to be tolerated. In summary, the available evidence is currently insufficient to determine the role of this variant in disease. Therefore, it has been classified as a Variant of Uncertain Significance.